The following is an entry in ClinVar:

ClinVar aggregate classification (germline): Benign. Review status: criteria provided, multiple submitters, no conflicts (2 of 4 stars). 2 submissions from 2 submitters: Benign (2). Last evaluated 2026-05-01.

Allele frequency attached by ClinVar (database versions not stated): 1000 Genomes Project 30x 0.00437; 1000 Genomes Project 0.00479; TOPMed 0.00714; ExAC 0.00811; gnomAD 0.00815 and 0.00834; ESP Exome Variant Server 0.00984.
gnomAD v4.1: 20,301 of 1,614,166 alleles (1.3%); highest among the groups gnomAD compares: Non-Finnish European, 1.5%; 185 homozygotes.

Submissions (2):

CeGaT Center for Human Genetics Tuebingen
Classification: Benign. Last evaluated: 2026-05-01. Review status: criteria provided, single submitter. Criteria: CeGaT Center For Human Genetics Tuebingen Variant Classification Criteria Version 2. Collection method: clinical testing. Allele origin: germline. Affected: yes. Observed: 4 variant alleles.
Comment: CARINH: BS1, BS2; IRF1: BP4, BP7, BS1, BS2

Labcorp Genetics (formerly Invitae), Labcorp
Classification: Benign. Last evaluated: 2018-06-20. Review status: criteria provided, single submitter. Criteria: Invitae Variant Classification Sherloc (09022015). Collection method: clinical testing. Allele origin: germline.

NM_002198.3(IRF1):c.345C>G (p.Leu115=)

Genes: IRF1 (interferon regulatory factor 1; minus strand), LOC126807508 (CDK7 strongly-dependent group 2 enhancer GRCh37_chr5:131821689-131822888; plus strand). Cytogenetic location: 5q31.1.
Variant type: single nucleotide variant.
Coding change: c.345C>G on transcript NM_002198.3 (MANE Select); coding-DNA position 345, C replaced by G.
Protein change: p.Leu115=; no amino-acid change (leucine 115 retained).
Molecular consequence: synonymous variant. On other transcripts: non-coding transcript variant (1).
Genome position (GRCh38, 1-based): chr5:132,486,973, G>C on the plus strand (C>G on the coding strand, the complement: IRF1 is on the minus strand). VCF-style: chr5-132486973-G-C. GRCh37 (hg19) VCF-style: chr5-131822665-G-C.
Other names: c.345C>G, p.Leu115= (NM_001354924.1, NM_001354925.1).
Identifiers: ClinVar variation 790794 (VCV000790794.7), dbSNP rs17622685, ClinGen allele CA3404630.